The following is an entry in ClinVar:

NM_001079802.2(FKTN):c.285T>C (p.His95=)

Gene: FKTN (fukutin; plus strand). Cytogenetic location: 9q31.2.
Variant type: single nucleotide variant.
Coding change: c.285T>C on transcript NM_001079802.2 (MANE Select); coding-DNA position 285, T replaced by C.
Protein change: p.His95=; no amino-acid change (histidine 95 retained).
Molecular consequence: synonymous variant. On other transcripts: 5 prime UTR variant (4), non-coding transcript variant (2).
Genome position (GRCh38, 1-based): chr9:105,601,264, T>C. VCF-style: chr9-105601264-T-C. GRCh37 (hg19) VCF-style: chr9-108363545-T-C.
Other names: p.His95=; c.285T>C, p.His95= (NM_001198963.2, NM_001351496.2, NM_001351498.2 and 1 more transcripts); c.216T>C, p.His72= (NM_001351497.2); c.-230T>C (NM_001351499.2, NM_001351500.2, NM_001351501.2 and 1 more transcripts).
Identifiers: ClinVar variation 379745 (VCV000379745.21), dbSNP rs148046151, ClinGen allele CA5170363.

ClinVar aggregate classification (germline): Benign/Likely benign. Review status: criteria provided, multiple submitters, no conflicts (2 of 4 stars). 8 submissions from 8 submitters: Benign (1); Likely benign (7). Last evaluated 2026-01-27.

Conditions:
Walker-Warburg congenital muscular dystrophy. Also called: Muscular dystrophy-dystroglycanopathy, type A; Walker-Warburg syndrome. Identifiers: Orphanet 899, MedGen C0265221, MONDO:0000171.
Cardiovascular phenotype. Identifiers: MedGen CN230736.

Allele frequency attached by ClinVar (database versions not stated): gnomAD exomes 0.00003 and 0.00014; TOPMed 0.00046; 1000 Genomes Project 30x 0.00047; gnomAD 0.00050 and 0.00045; 1000 Genomes Project 0.00060; ESP Exome Variant Server 0.00062; ExAC 0.00018.
gnomAD v4.1: 120 of 1,612,718 alleles (0.0074%); highest among the groups gnomAD compares: African/African-American, 0.15%; no homozygotes.

Submissions (8):

Labcorp Genetics (formerly Invitae), Labcorp
Classification: Likely benign for Walker-Warburg congenital muscular dystrophy. Last evaluated: 2026-01-27. Review status: criteria provided, single submitter. Criteria: Invitae Variant Classification Sherloc (09022015). Collection method: clinical testing. Allele origin: germline.

Mayo Clinic Laboratories, Mayo Clinic
Classification: Likely benign. Last evaluated: 2025-11-16. Review status: criteria provided, single submitter. Criteria: ACMG Guidelines, 2015. Collection method: clinical testing. Allele origin: germline. Observed: 4 variant alleles.
Comment: BS1, BP4, BP7

Athena Diagnostics
Classification: Likely benign. Last evaluated: 2025-07-02. Review status: criteria provided, single submitter. Criteria: Athena Diagnostics Criteria. Collection method: clinical testing. Allele origin: unknown.
Comment: The frequency of this variant in the general population is higher than would generally be expected for pathogenic variants in this gene. Computational tools yielded predictions that this variant is unlikely to have an effect on normal RNA splicing. This nucleotide position exhibits low evolutionary conservation.

ARUP Laboratories, Molecular Genetics and Genomics, ARUP Laboratories
Classification: Benign. Last evaluated: 2025-04-08. Review status: criteria provided, single submitter. Criteria: ARUP Molecular Germline Variant Investigation Process 2024. Collection method: clinical testing. Allele origin: germline.

Blueprint Genetics
Classification: Likely benign. Last evaluated: 2024-03-12. Review status: criteria provided, single submitter. Criteria: ACMG Guidelines, 2015. Collection method: clinical testing. Allele origin: germline.

GeneDx
Classification: Likely benign. Last evaluated: 2021-08-28. Review status: criteria provided, single submitter. Criteria: GeneDx Variant Classification Process June 2021. Collection method: clinical testing. Allele origin: germline. Affected: yes.

Ambry Genetics
Classification: Likely benign for Cardiovascular phenotype. Last evaluated: 2018-11-26. Review status: criteria provided, single submitter. Criteria: Ambry Variant Classification Scheme 2023. Collection method: clinical testing. Allele origin: germline.

Breakthrough Genomics
Classification: Likely benign. Review status: criteria provided, single submitter. Criteria: ACMG Guidelines, 2015. Collection method: not provided. Allele origin: germline. Inheritance: Autosomal recessive inheritance. Affected: yes.